The following is an entry in ClinVar:

ClinVar aggregate classification (germline): Uncertain significance (1 of 4 stars; one submission).

Conditions:
Hypertrophic cardiomyopathy. Also called: HYPERTROPHIC MYOCARDIOPATHY. Identifiers: Orphanet 217569, MedGen C0007194, MeSH D002312, MONDO:0005045, HP:0001639.

Submission:

Labcorp Genetics (formerly Invitae), Labcorp
Classification: Uncertain significance for Hypertrophic cardiomyopathy. Last evaluated: 2021-06-14. Review status: criteria provided, single submitter. Criteria: Invitae Variant Classification Sherloc (09022015). Collection method: clinical testing. Allele origin: germline.
Comment: In summary, the available evidence is currently insufficient to determine the role of this variant in disease. Therefore, it has been classified as a Variant of Uncertain Significance. This variant is found within a region of MYH7 between codons 181 and 937 that contains the majority of the myosin head domain. Missense variants in this region have been shown to be significantly overrepresented in individuals with hypertrophic cardiomyopathy (PMID: 27532257). Algorithms developed to predict the effect of missense changes on protein structure and function are either unavailable or do not agree on the potential impact of this missense change (SIFT: "Deleterious"; PolyPhen-2: "Benign"; Align-GVGD: "Class C25"). This variant has not been reported in the literature in individuals with MYH7-related conditions. This variant is not present in population databases (ExAC no frequency). This sequence change replaces valine with isoleucine at codon 605 of the MYH7 protein (p.Val605Ile). The valine residue is highly conserved and there is a small physicochemical difference between valine and isoleucine.

Literature cited by the submitters: PubMed 27532257.

NM_000257.4(MYH7):c.1813G>A (p.Val605Ile)

Gene: MYH7 (myosin heavy chain 7; minus strand). Cytogenetic location: 14q11.2.
Variant type: single nucleotide variant.
Coding change: c.1813G>A on transcript NM_000257.4 (MANE Select); coding-DNA position 1813, G replaced by A.
Protein change: p.Val605Ile; replaces valine 605 with isoleucine.
Molecular consequence: missense variant.
Genome position (GRCh38, 1-based): chr14:23,427,660, C>T on the plus strand (G>A on the coding strand, the complement: MYH7 is on the minus strand). VCF-style: chr14-23427660-C-T. GRCh37 (hg19) VCF-style: chr14-23896869-C-T.
Other names: short protein forms V605I.
Identifiers: ClinVar variation 1440520 (VCV001440520.8), dbSNP rs2138672030, ClinGen allele CA389049763.